The following is an entry in ClinVar:

NM_006545.5(NPRL2):c.907del (p.Gln303fs)

Gene: NPRL2 (NPR2 like, GATOR1 complex subunit; minus strand). Cytogenetic location: 3p21.31.
Variant type: Deletion.
Coding change: c.907del on transcript NM_006545.5 (MANE Select); coding-DNA position 907, one base deleted (C; older notation c.907delC).
Protein change: p.Gln303fs; shifts the reading frame from glutamine 303.
Molecular consequence: frameshift variant.
Genome position (GRCh38, 1-based): chr3:50,348,149, G deleted on the plus strand (C on the coding strand, the reverse complement: NPRL2 is on the minus strand); the first of 5 consecutive G bases (chr3:50,348,149-50,348,153); deleting any one gives the same sequence. VCF-style (leftmost placement, unchanged base first): chr3-50348148-TG-T. GRCh37 (hg19) VCF-style: chr3-50385579-TG-T.
Other names: short protein forms Q303fs.
Identifiers: ClinVar variation 2445421 (VCV002445421.2), dbSNP rs2470932402, ClinGen allele CA645524277.

ClinVar aggregate classification (germline): Likely pathogenic (1 of 4 stars; one submission).

Conditions:
Familial focal epilepsy with variable foci (FPEVF). Identifiers: Orphanet 98820, MedGen C1858477, MONDO:0020310.

Submission:

Pediatrics, Sichuan Provincial Hospital For Women And Children
Classification: Likely pathogenic for Familial focal epilepsy with variable foci. Review status: criteria provided, single submitter. Criteria: ACMG Guidelines, 2015. Collection method: research. Allele origin: maternal. Inheritance: X-linked dominant inheritance. Affected: yes. Observed: 1 hemizygote.